The following is an entry in ClinVar:

NM_003105.6(SORL1):c.1969dup (p.His657fs)

Gene: SORL1 (sortilin related receptor 1; plus strand). Cytogenetic location: 11q24.1.
Variant type: Duplication.
Coding change: c.1969dup on transcript NM_003105.6 (MANE Select); coding-DNA position 1969, one base duplicated (C; older notation c.1969dupC).
Protein change: p.His657fs; shifts the reading frame from histidine 657.
Molecular consequence: frameshift variant.
Genome position (GRCh38, 1-based): chr11:121,545,347, C duplicated; the last of 6 consecutive C bases (chr11:121,545,342-121,545,347); duplicating any one gives the same sequence. VCF-style (leftmost placement, unchanged base first): chr11-121545341-A-AC. GRCh37 (hg19) VCF-style: chr11-121416050-A-AC.
Other names: short protein forms H657fs.
Identifiers: ClinVar variation 3694306 (VCV003694306.3).

ClinVar aggregate classification (germline): Pathogenic/Likely pathogenic. Review status: criteria provided, multiple submitters, no conflicts (2 of 4 stars). 2 submissions from 2 submitters: Pathogenic (1); Likely pathogenic (1). Last evaluated 2026-10-01.

Conditions:
Alzheimer disease. Also called: Presenile and senile dementia; Alzheimer's disease. Identifiers: Orphanet 1020, MedGen C0002395, MeSH D000544, MONDO:0004975, HP:0002511.

Submissions (2):

Department of Clinical Genetics, Aarhus University Hospital
Classification: Likely pathogenic for Alzheimer disease. Last evaluated: 2026-10-01. Review status: criteria provided, single submitter. Criteria: ACMG Guidelines, 2015. Collection method: clinical testing. Allele origin: unknown. Inheritance: Autosomal dominant inheritance. Affected: yes.
Comment: The variant is rarely seen in gnomAD v4.1. The variant is a frameshift variant predicted to cause a premature termination codon in exon 14 of 48, and is anticipated to result in nonsense mediated decay. According to the ACMG guidelines, this variant is interpreted as likely pathogenic (PVS1, PM2_supporting).

Labcorp Genetics (formerly Invitae), Labcorp
Classification: Pathogenic. Last evaluated: 2024-10-28. Review status: criteria provided, single submitter. Criteria: Invitae Variant Classification Sherloc (09022015). Collection method: clinical testing. Allele origin: germline.
Comment: This sequence change creates a premature translational stop signal (p.His657Profs*11) in the SORL1 gene. It is expected to result in an absent or disrupted protein product. Loss-of-function variants in SORL1 are known to be pathogenic (PMID: 26303663, 27026413). This variant is present in population databases (no rsID available, gnomAD 0.0009%). This variant has not been reported in the literature in individuals affected with SORL1-related conditions. For these reasons, this variant has been classified as Pathogenic.

Literature cited by the submitters: PubMed 26303663 (cited by Labcorp Genetics (formerly Invitae), Labcorp); PubMed 27026413 (cited by Labcorp Genetics (formerly Invitae), Labcorp).